The following is an entry in ClinVar:

NM_000381.4(MID1):c.1616G>A (p.Gly539Asp)

Gene: MID1 (midline 1; minus strand). Cytogenetic location: Xp22.2.
Variant type: single nucleotide variant.
Coding change: c.1616G>A on transcript NM_000381.4 (MANE Select); coding-DNA position 1616, G replaced by A.
Protein change: p.Gly539Asp; replaces glycine 539 with aspartic acid.
Molecular consequence: missense variant.
Genome position (GRCh38, 1-based): chrX:10,454,909, C>T on the plus strand (G>A on the coding strand, the complement: MID1 is on the minus strand). VCF-style: chrX-10454909-C-T. GRCh37 (hg19) VCF-style: chrX-10422949-C-T.
Other names: c.1616G>A, p.Gly539Asp (NM_001098624.2, NM_001193277.1, NM_001347733.2 and 1 more transcripts); c.1502G>A, p.Gly501Asp (NM_033289.2); short protein forms G539D, G501D.
Identifiers: ClinVar variation 4744166 (VCV004744166.1).

ClinVar aggregate classification (germline): Uncertain significance (1 of 4 stars; one submission).

Submission:

Labcorp Genetics (formerly Invitae), Labcorp
Classification: Uncertain significance. Last evaluated: 2025-12-21. Review status: criteria provided, single submitter. Criteria: Invitae Variant Classification Sherloc (09022015). Collection method: clinical testing. Allele origin: germline.
Comment: This sequence change replaces glycine, which is neutral and non-polar, with aspartic acid, which is acidic and polar, at codon 539 of the MID1 protein (p.Gly539Asp). This variant is not present in population databases (gnomAD no frequency). This variant has not been reported in the literature in individuals affected with MID1-related conditions. Invitae Evidence Modeling of protein sequence and biophysical properties (such as structural, functional, and spatial information, amino acid conservation, physicochemical variation, residue mobility, and thermodynamic stability) indicates that this missense variant is not expected to disrupt MID1 protein function with a negative predictive value of 80%. In summary, the available evidence is currently insufficient to determine the role of this variant in disease. Therefore, it has been classified as a Variant of Uncertain Significance.